The following is an entry in ClinVar:

NM_001077207.4(SEC31A):c.2154+8C>T

Gene: SEC31A (SEC31 homolog A, COPII component; minus strand). Cytogenetic location: 4q21.22.
Variant type: single nucleotide variant.
Coding change: c.2154+8C>T on transcript NM_001077207.4 (MANE Select); 8 bases into the intron after coding-DNA position 2154, C replaced by T.
Molecular consequence: intron variant.
Genome position (GRCh38, 1-based): chr4:82,853,562, G>A on the plus strand (C>T on the coding strand, the complement: SEC31A is on the minus strand). VCF-style: chr4-82853562-G-A. GRCh37 (hg19) VCF-style: chr4-83774715-G-A.
Other names: c.2154+8C>T (NM_001318120.2, NM_001318119.2, NM_001077206.4 and 17 more transcripts); c.2139+8C>T (NM_001191049.2, NM_001400212.1, NM_001400214.1); c.2037+8C>T (NM_001300744.3, NM_001300745.3, NM_016211.5 and 10 more transcripts); c.2115+8C>T (NM_001400205.1, NM_001400184.1, NM_001400216.1 and 5 more transcripts); c.2076+8C>T (NM_001400221.1, NM_001400210.1, NM_001400197.1 and 7 more transcripts); c.1875+8C>T (NM_001400215.1); c.1680+8C>T (NM_001400224.1).
Identifiers: ClinVar variation 3388004 (VCV003388004.15).

ClinVar aggregate classification (germline): Likely benign. Review status: criteria provided, multiple submitters, no conflicts (2 of 4 stars). 2 submissions from 2 submitters: Likely benign (2). Last evaluated 2024-11-21.

gnomAD v4.1: 3,677 of 1,552,000 alleles (0.24%); highest among the groups gnomAD compares: Non-Finnish European, 0.29%; 11 homozygotes.

Submissions (2):

Blueprint Genetics
Classification: Likely benign. Last evaluated: 2024-11-21. Review status: criteria provided, single submitter. Criteria: ACMG Guidelines, 2015. Collection method: clinical testing. Allele origin: germline.

CeGaT Center for Human Genetics Tuebingen
Classification: Likely benign. Last evaluated: 2024-11-01. Review status: criteria provided, single submitter. Criteria: CeGaT Center For Human Genetics Tuebingen Variant Classification Criteria Version 2. Collection method: clinical testing. Allele origin: germline. Affected: yes. Observed: 1 variant allele.
Comment: SEC31A: BP4